The following is an entry in ClinVar:

ClinVar aggregate classification (germline): Uncertain significance (1 of 4 stars; one submission).

Conditions:
Baller-Gerold syndrome (BGS). Also called: CRANIOSYNOSTOSIS WITH RADIAL DEFECTS. Identifiers: Orphanet 1225, MedGen C0265308, MONDO:0009039, OMIM 218600.

Submission:

Labcorp Genetics (formerly Invitae), Labcorp
Classification: Uncertain significance for Baller-Gerold syndrome. Last evaluated: 2021-10-20. Review status: criteria provided, single submitter. Criteria: Invitae Variant Classification Sherloc (09022015). Collection method: clinical testing. Allele origin: germline.
Comment: In summary, the available evidence is currently insufficient to determine the role of this variant in disease. Therefore, it has been classified as a Variant of Uncertain Significance. Experimental studies and prediction algorithms are not available or were not evaluated, and the functional significance of this variant is currently unknown. This variant has not been reported in the literature in individuals affected with RECQL4-related conditions. This variant is not present in population databases (gnomAD no frequency). This sequence change replaces glutamine, which is neutral and polar, with proline, which is neutral and non-polar, at codon 1065 of the RECQL4 protein (p.Gln1065Pro).

NM_004260.4(RECQL4):c.3194A>C (p.Gln1065Pro)

Gene: RECQL4 (RecQ like helicase 4; minus strand). Cytogenetic location: 8q24.3.
Variant type: single nucleotide variant.
Coding change: c.3194A>C on transcript NM_004260.4 (MANE Select); coding-DNA position 3194, A replaced by C.
Protein change: p.Gln1065Pro; replaces glutamine 1065 with proline.
Molecular consequence: missense variant.
Genome position (GRCh38, 1-based): chr8:144,512,186, T>G on the plus strand (A>C on the coding strand, the complement: RECQL4 is on the minus strand). VCF-style: chr8-144512186-T-G. GRCh37 (hg19) VCF-style: chr8-145737569-T-G.
Other names: short protein forms Q1065P.
Identifiers: ClinVar variation 1421969 (VCV001421969.6), dbSNP rs2130658284, ClinGen allele CA372669930.